The following is an entry in ClinVar:

ClinVar aggregate classification (germline): Uncertain significance. Review status: criteria provided, multiple submitters, no conflicts (2 of 4 stars). 2 submissions from 2 submitters: Uncertain significance (2). Last evaluated 2026-01-12.

Conditions:
Hereditary cancer-predisposing syndrome. Also called: Hereditary neoplastic syndrome; Neoplastic Syndromes, Hereditary; Tumor predisposition; Hereditary Cancer Syndrome. Identifiers: Orphanet 140162, MedGen C0027672, MeSH D009386, MONDO:0015356.

Allele frequency attached by ClinVar (database versions not stated): gnomAD exomes below 0.00001 and 0.00001; gnomAD 0.00001.
gnomAD v4.1: 11 of 1,613,984 alleles (0.00068%); highest among the groups gnomAD compares: Admixed American, 0.0017%; no homozygotes.

Submissions (2):

Labcorp Genetics (formerly Invitae), Labcorp
Classification: Uncertain significance. Last evaluated: 2026-01-12. Review status: criteria provided, single submitter. Criteria: Invitae Variant Classification Sherloc (09022015). Collection method: clinical testing. Allele origin: germline.
Comment: This sequence change falls in intron 11 of the CTNNA1 gene. It does not directly change the encoded amino acid sequence of the CTNNA1 protein. It affects a nucleotide within the consensus splice site. The frequency data for this variant in the population databases is considered unreliable, as metrics indicate poor data quality at this position in the gnomAD database. This variant has not been reported in the literature in individuals affected with CTNNA1-related conditions. ClinVar contains an entry for this variant (Variation ID: 1035298). Variants that disrupt the consensus splice site are a relatively common cause of aberrant splicing (PMID: 17576681, 9536098). Algorithms developed to predict the effect of sequence changes on RNA splicing suggest that this variant is not likely to affect RNA splicing. In summary, the available evidence is currently insufficient to determine the role of this variant in disease. Therefore, it has been classified as a Variant of Uncertain Significance.

Ambry Genetics
Classification: Uncertain significance for Hereditary cancer-predisposing syndrome. Last evaluated: 2024-05-15. Review status: criteria provided, single submitter. Criteria: Ambry Variant Classification Scheme 2023. Collection method: clinical testing. Allele origin: germline.
Comment: The c.1547-3C>T intronic variant results from a C to T substitution 3 nucleotides upstream from coding exon 11 in the CTNNA1 gene. This nucleotide position is well conserved in available vertebrate species. In silico splice site analysis predicts that this alteration will not have any significant effect on splicing. The evidence for this gene-disease relationship is limited; therefore, the clinical significance of this alteration is unclear.

Literature cited by the submitters: PubMed 17576681 (cited by Labcorp Genetics (formerly Invitae), Labcorp); PubMed 9536098 (cited by Labcorp Genetics (formerly Invitae), Labcorp).

NM_001903.5(CTNNA1):c.1547-3C>T

Gene: CTNNA1 (catenin alpha 1; plus strand). Cytogenetic location: 5q31.2.
Variant type: single nucleotide variant.
Coding change: c.1547-3C>T on transcript NM_001903.5 (MANE Select); 3 bases into the intron before coding-DNA position 1547, C replaced by T.
Molecular consequence: intron variant.
Genome position (GRCh38, 1-based): chr5:138,924,507, C>T. VCF-style: chr5-138924507-C-T. GRCh37 (hg19) VCF-style: chr5-138260196-C-T.
Other names: c.1547-3C>T (NM_001323982.2, NM_001323984.2, NM_001290307.3 and 2 more transcripts); c.1454-3C>T (NM_001323986.2); c.1178-3C>T (NM_001290310.3); c.1238-3C>T (NM_001290309.3); c.437-3C>T (NM_001323996.1, NM_001323993.1, NM_001324005.1 and 17 more transcripts); c.98-3C>T (NM_001324007.1, NM_001324009.1, NM_001324006.1 and 2 more transcripts); c.194-3C>T (NM_001324013.1, NM_001324012.1); c.344-3C>T (NM_001324011.1).
Identifiers: ClinVar variation 1035298 (VCV001035298.10), dbSNP rs1325130114, ClinGen allele CA563498243.
Genomic context (GRCh38, chr5:138,924,507, plus strand): 5'-TTACAGTTGCCACCTTTTCATAGAAAGCCTCCTTCCTCATTCAACTTTTTGCTTGTTCTC[C>T]AGAGAATCACATTTTGGAAGATGTGAACAAATGTGTCATTGCTCTCCAAGAGAAGGATGT-3'